The following is an entry in ClinVar:

ClinVar aggregate classification (germline): Likely benign. Review status: criteria provided, single submitter (1 of 4 stars). 2 submissions from 2 submitters: Likely benign (1). 1 of the submissions does not count toward it. Last evaluated 2025-01-06.

Conditions:
CACNA1H-related disorder.
Hyperaldosteronism, familial, type IV (HALD4). Also called: FH IV; ALDOSTERONISM, PRIMARY, AND HYPERTENSION. Identifiers: Orphanet 642671, MedGen C4310756, MONDO:0014875, OMIM 617027.
Idiopathic generalized epilepsy. Also called: EIG; Generalised epilepsy. Identifiers: MedGen C0270850, MONDO:0005579, OMIM 600669.

Allele frequency attached by ClinVar (database versions not stated): gnomAD 0.00001; TOPMed 0.00001.
gnomAD v4.1: 10 of 1,612,288 alleles (0.00062%); highest among the groups gnomAD compares: Admixed American, 0.01%; no homozygotes.

Submissions (2):

Labcorp Genetics (formerly Invitae), Labcorp
Classification: Likely benign for Idiopathic generalized epilepsy; Hyperaldosteronism, familial, type IV. Last evaluated: 2025-01-06. Review status: criteria provided, single submitter. Criteria: Invitae Variant Classification Sherloc (09022015). Collection method: clinical testing. Allele origin: germline.

PreventionGenetics, part of Exact Sciences
Classification: Likely benign for CACNA1H-related condition. Last evaluated: 2019-06-12. Review status: no assertion criteria provided. Collection method: clinical testing. Allele origin: germline. Not counted in ClinVar's aggregate classification.
Comment: This variant is classified as likely benign based on ACMG/AMP sequence variant interpretation guidelines (Richards et al. 2015 PMID: 25741868, with internal and published modifications).

NM_021098.3(CACNA1H):c.4351-7C>T

Gene: CACNA1H (calcium voltage-gated channel subunit alpha1 H; plus strand). Cytogenetic location: 16p13.3.
Variant type: single nucleotide variant.
Coding change: c.4351-7C>T on transcript NM_021098.3 (MANE Select); 7 bases into the intron before coding-DNA position 4351, C replaced by T.
Molecular consequence: intron variant.
Genome position (GRCh38, 1-based): chr16:1,211,474, C>T. VCF-style: chr16-1211474-C-T. GRCh37 (hg19) VCF-style: chr16-1261474-C-T.
Other names: c.4351-7C>T (NM_001005407.2, NM_021098.2).
Identifiers: ClinVar variation 1154687 (VCV001154687.11), dbSNP rs757005584, ClinGen allele CA7801303.